The following is an entry in ClinVar:

ClinVar aggregate classification (germline): Uncertain significance. Review status: criteria provided, multiple submitters, no conflicts (2 of 4 stars). 2 submissions from 2 submitters: Uncertain significance (2). Last evaluated 2026-01-20.

Conditions:
Hereditary cancer-predisposing syndrome. Also called: Neoplastic Syndromes, Hereditary; Tumor predisposition; Hereditary Cancer Syndrome; Hereditary neoplastic syndrome. Identifiers: Orphanet 140162, MedGen C0027672, MeSH D009386, MONDO:0015356.
EGFR-related lung cancer (EGFR). Identifiers: MedGen CN130014.

Allele frequency attached by ClinVar (database versions not stated): gnomAD exomes below 0.00001 and 0.00001; ExAC 0.00001; gnomAD 0.00001.
gnomAD v4.1: 11 of 1,614,072 alleles (0.00068%); highest among the groups gnomAD compares: Non-Finnish European, 0.00093%; no homozygotes.

Submissions (2):

Ambry Genetics
Classification: Uncertain significance for Hereditary cancer-predisposing syndrome. Last evaluated: 2026-01-20. Review status: criteria provided, single submitter. Criteria: Ambry Variant Classification Scheme 2023. Collection method: clinical testing. Allele origin: germline.
Comment: The p.P192T variant (also known as c.574C>A), located in coding exon 5 of the EGFR gene, results from a C to A substitution at nucleotide position 574. The proline at codon 192 is replaced by threonine, an amino acid with highly similar properties. This amino acid position is well conserved in available vertebrate species. In addition, the in silico prediction for this alteration is inconclusive. Based on the available evidence, the clinical significance of this variant remains unclear.

Labcorp Genetics (formerly Invitae), Labcorp
Classification: Uncertain significance for EGFR-related lung cancer. Last evaluated: 2024-05-19. Review status: criteria provided, single submitter. Criteria: Invitae Variant Classification Sherloc (09022015). Collection method: clinical testing. Allele origin: germline.
Comment: This sequence change replaces proline, which is neutral and non-polar, with threonine, which is neutral and polar, at codon 192 of the EGFR protein (p.Pro192Thr). This variant is present in population databases (rs770074413, gnomAD 0.0009%). This variant has not been reported in the literature in individuals affected with EGFR-related conditions. ClinVar contains an entry for this variant (Variation ID: 1469242). Advanced modeling of protein sequence and biophysical properties (such as structural, functional, and spatial information, amino acid conservation, physicochemical variation, residue mobility, and thermodynamic stability) performed at Invitae indicates that this missense variant is not expected to disrupt EGFR protein function with a negative predictive value of 80%. In summary, the available evidence is currently insufficient to determine the role of this variant in disease. Therefore, it has been classified as a Variant of Uncertain Significance.

NM_005228.5(EGFR):c.574C>A (p.Pro192Thr)

Gene: EGFR (epidermal growth factor receptor; plus strand). Cytogenetic location: 7p11.2.
Variant type: single nucleotide variant.
Coding change: c.574C>A on transcript NM_005228.5 (MANE Select); coding-DNA position 574, C replaced by A.
Protein change: p.Pro192Thr; replaces proline 192 with threonine.
Molecular consequence: missense variant. On other transcripts: intron variant (1).
Genome position (GRCh38, 1-based): chr7:55,151,308, C>A. VCF-style: chr7-55151308-C-A. GRCh37 (hg19) VCF-style: chr7-55219001-C-A.
Other names: c.439C>A, p.Pro147Thr (NM_001346899.2, NM_001346897.2); c.415C>A, p.Pro139Thr (NM_001346900.2); c.574C>A, p.Pro192Thr (NM_201282.2, NM_201283.2, NM_201284.2 and 1 more transcripts); c.89-4522C>A (NM_001346941.2); c.574C>A (NM_005228.3); short protein forms P192T, P139T, P147T.
Identifiers: ClinVar variation 1469242 (VCV001469242.9), dbSNP rs770074413, ClinGen allele CA4265267.